The following is an entry in ClinVar:

NM_000051.4(ATM):c.1655del (p.Pro552fs)

Gene: ATM (ATM serine/threonine kinase; plus strand). Cytogenetic location: 11q22.3.
Variant type: Deletion.
Coding change: c.1655del on transcript NM_000051.4 (MANE Select); coding-DNA position 1655, one base deleted (C; older notation c.1655delC).
Protein change: p.Pro552fs; shifts the reading frame from proline 552.
Molecular consequence: frameshift variant.
Genome position (GRCh38, 1-based): chr11:108,251,884, C deleted; the last of 2 consecutive C bases (chr11:108,251,883-108,251,884); deleting either gives the same sequence. VCF-style (leftmost placement, unchanged base first): chr11-108251882-TC-T. GRCh37 (hg19) VCF-style: chr11-108122609-TC-T.
Other names: c.1655delC (NM_000051.3); c.1655del, p.Pro552fs (NM_001351834.2); short protein forms P552fs.
Identifiers: ClinVar variation 370931 (VCV000370931.18), dbSNP rs1057516876, ClinGen allele CA16041384.

ClinVar aggregate classification (germline): Pathogenic/Likely pathogenic. Review status: criteria provided, multiple submitters, no conflicts (2 of 4 stars). 6 submissions from 6 submitters: Pathogenic (4); Likely pathogenic (1). 1 of the submissions does not count toward it. Last evaluated 2024-07-17.

Conditions:
Hereditary cancer-predisposing syndrome. Also called: Tumor predisposition; Hereditary Cancer Syndrome; Hereditary neoplastic syndrome; Neoplastic Syndromes, Hereditary. Identifiers: Orphanet 140162, MedGen C0027672, MeSH D009386, MONDO:0015356.
Familial cancer of breast. Also called: Hereditary breast cancer; BREAST CANCER, FAMILIAL; hereditary breast carcinoma. Identifiers: Orphanet 227535, MedGen C0346153, MONDO:0016419, OMIM 114480. Disease mechanism: loss of function.
Ataxia-telangiectasia syndrome (AT). Also called: ATAXIA-TELANGIECTASIA, COMPLEMENTATION GROUP A; ATAXIA-TELANGIECTASIA, FRESNO VARIANT; Ataxia-telangiectasia; Ataxia telangiectasia (A-T); Cerebello-oculocutaneous telangiectasia; Immunodeficiency with ataxia telangiectasia. Identifiers: Orphanet 100, MedGen C0004135, MONDO:0008840, OMIM 208900.

Submissions (6):

Ambry Genetics
Classification: Pathogenic for Hereditary cancer-predisposing syndrome. Last evaluated: 2024-07-17. Review status: criteria provided, single submitter. Criteria: Ambry Variant Classification Scheme 2023. Collection method: clinical testing. Allele origin: germline.
Comment: The c.1655delC pathogenic mutation, located in coding exon 10 of the ATM gene, results from a deletion of one nucleotide at nucleotide position 1655, causing a translational frameshift with a predicted alternate stop codon (p.P552Qfs*4). This variant was detected in a cohort of 549 unselected patients with pancreatic cancer (Fountzilas E et al. Cancers (Basel), 2021 Jan;13). This variant was also detected in a cohort of 4567 Thai patients with cancer in the hereditary breast-ovarian cancer (HBOC) spectrum who underwent multi-gene panel testing (Kansuttiviwat C et al. NPJ Genom Med, 2024 Feb;9:9). This variant is considered to be rare based on population cohorts in the Genome Aggregation Database (gnomAD). This alteration is expected to result in loss of function by premature protein truncation or nonsense-mediated mRNA decay. As such, this alteration is interpreted as a disease-causing mutation.

Molecular Pathology, Peter Maccallum Cancer Centre
Classification: Pathogenic for Ataxia-telangiectasia syndrome. Last evaluated: 2024-06-23. Review status: criteria provided, single submitter. Criteria: ACMG Guidelines, 2015. Collection method: clinical testing. Allele origin: germline. Inheritance: Autosomal recessive inheritance.

Baylor Genetics
Classification: Likely pathogenic for Familial cancer of breast. Last evaluated: 2024-01-20. Review status: criteria provided, single submitter. Criteria: ACMG Guidelines, 2015. Collection method: clinical testing. Allele origin: unknown.

Labcorp Genetics (formerly Invitae), Labcorp
Classification: Pathogenic for Ataxia-telangiectasia syndrome. Last evaluated: 2023-12-07. Review status: criteria provided, single submitter. Criteria: Invitae Variant Classification Sherloc (09022015). Collection method: clinical testing. Allele origin: germline.
Comment: This sequence change creates a premature translational stop signal (p.Pro552Glnfs*4) in the ATM gene. It is expected to result in an absent or disrupted protein product. Loss-of-function variants in ATM are known to be pathogenic (PMID: 23807571, 25614872). This variant is not present in population databases (gnomAD no frequency). This variant has not been reported in the literature in individuals affected with ATM-related conditions. ClinVar contains an entry for this variant (Variation ID: 370931). Algorithms developed to predict the effect of sequence changes on RNA splicing suggest that this variant may disrupt the consensus splice site. For these reasons, this variant has been classified as Pathogenic.

Color Diagnostics, LLC DBA Color Health
Classification: Pathogenic for Hereditary cancer-predisposing syndrome. Last evaluated: 2020-01-15. Review status: criteria provided, single submitter. Criteria: ACMG Guidelines, 2015. Collection method: clinical testing. Allele origin: germline.
Comment: This variant deletes 1 nucleotide in exon 11 of the ATM gene, creating a frameshift and premature translation stop signal. This variant is expected to result in an absent or non-functional protein product. This variant has not been identified in the general population by the Genome Aggregation Database (gnomAD). Loss of ATM function is a known mechanism of disease. Based on the available evidence, this variant is classified as Pathogenic.

Counsyl
Classification: Likely pathogenic for Ataxia-telangiectasia syndrome. Last evaluated: 2016-05-18. Review status: no assertion criteria provided. Collection method: clinical testing. Allele origin: unknown. Not counted in ClinVar's aggregate classification.

Literature cited by the submitters: PubMed 33429865 (cited by Ambry Genetics); PubMed 38355628 (cited by Ambry Genetics); PubMed 23807571 (cited by Labcorp Genetics (formerly Invitae), Labcorp); PubMed 25614872 (cited by Labcorp Genetics (formerly Invitae), Labcorp).